The following is an entry in ClinVar:

ClinVar aggregate classification (germline): Pathogenic/Likely pathogenic. Review status: criteria provided, multiple submitters, no conflicts (2 of 4 stars). 4 submissions from 4 submitters: Pathogenic (3); Likely pathogenic (1). Last evaluated 2025-12-21.

Conditions:
Autosomal recessive congenital ichthyosis 1 (LI1). Also called: ICHTHYOSIS, CONGENITAL, AUTOSOMAL RECESSIVE 1, WITH BATHING SUIT DISTRIBUTION; ICHTHYOSIS, CONGENITAL, AUTOSOMAL RECESSIVE 1, WITH OR WITHOUT BATHING SUIT DISTRIBUTION; COLLODION FETUS; DESQUAMATION OF NEWBORN; ICHTHYOSIS CONGENITA; ICHTHYOSIS CONGENITA II. Identifiers: MedGen C4551630, MONDO:0009441, OMIM 242300.

Allele frequency attached by ClinVar (database versions not stated): TOPMed 0.00001; gnomAD exomes below 0.00001; ExAC 0.00001.
gnomAD v4.1: 1 of 1,609,534 alleles (0.000062%); highest among the groups gnomAD compares: Non-Finnish European, 0.000085%; no homozygotes.

Submissions (4):

Labcorp Genetics (formerly Invitae), Labcorp
Classification: Pathogenic. Last evaluated: 2025-12-21. Review status: criteria provided, single submitter. Criteria: Invitae Variant Classification Sherloc (09022015). Collection method: clinical testing. Allele origin: germline.
Comment: This sequence change affects a donor splice site in intron 6 of the TGM1 gene. It is expected to disrupt RNA splicing. Variants that disrupt the donor or acceptor splice site typically lead to a loss of protein function (PMID: 16199547), and loss-of-function variants in TGM1 are known to be pathogenic (PMID: 18948357, 19241467). This variant is present in population databases (rs749160734, gnomAD 0.0009%). Disruption of this splice site has been observed in individual(s) with clinical features of congenital ichthyosis (PMID: 19241467, 21668430, 26451124). ClinVar contains an entry for this variant (Variation ID: 1333234). Algorithms developed to predict the effect of sequence changes on RNA splicing suggest that this variant may disrupt the consensus splice site. For these reasons, this variant has been classified as Pathogenic.

Natera, Inc.
Classification: Pathogenic for Autosomal recessive congenital ichthyosis type 1. Last evaluated: 2025-05-20. Review status: criteria provided, single submitter. Criteria: Natera Variant Classification Schema (03/2026). Collection method: clinical testing. Allele origin: germline.
Comment: The c.984+1G>A variant in TGM1 is a canonical splice donor site variant predicted to affect pre-mRNA splicing, which may result in an abnormal transcript and altered protein product. This variant is expected to result in nonsense mediated decay, truncation, or a dysfunctional protein product. This variant is rare in the general population with a frequency below the threshold expected for the associated phenotype(s). This variant has been observed in one or more individuals affected with the associated recessive disease, as either homozygous or compound heterozygous with a second variant (PMID: 21668430, 21668430). Additionally, this variant has been observed to segregate in affected family members (PMID: 21668430). Functional studies show that this variant may disrupt protein function (PMID: 22435431). Given the available evidence, this variant is classified as Pathogenic.

Fulgent Genetics
Classification: Pathogenic for Autosomal recessive congenital ichthyosis 1. Last evaluated: 2024-04-02. Review status: criteria provided, single submitter. Criteria: ACMG Guidelines, 2015. Collection method: clinical testing. Allele origin: germline.

3billion
Classification: Likely pathogenic for Autosomal recessive congenital ichthyosis 1. Last evaluated: 2022-01-03. Review status: criteria provided, single submitter. Criteria: ACMG Guidelines, 2015. Collection method: clinical testing. Allele origin: germline. Affected: yes. Observed: 1 heterozygote.
Comment: Canonical splice site: predicted to alter splicing and result in a loss or disruption of normal protein function through protein truncation. Multiple pathogenic variants are reported in the predicted truncated region (PVS1_VS). It is observed at an extremely low frequency in the gnomAD v2.1.1 dataset (total allele frequency: 0.000004, PM2_M).Therefore, this variant is classified as likely pathogenic according to the recommendation of ACMG/AMP guideline.

Literature cited by the submitters: PubMed 16199547 (cited by Labcorp Genetics (formerly Invitae), Labcorp); PubMed 18948357 (cited by Labcorp Genetics (formerly Invitae), Labcorp); PubMed 19241467 (cited by Labcorp Genetics (formerly Invitae), Labcorp); PubMed 21668430 (cited by Labcorp Genetics (formerly Invitae), Labcorp and Natera, Inc.); PubMed 26451124 (cited by Labcorp Genetics (formerly Invitae), Labcorp); PubMed 22435431 (cited by Natera, Inc.).

NM_000359.3(TGM1):c.984+1G>A

Gene: TGM1 (transglutaminase 1; minus strand). Cytogenetic location: 14q12.
Variant type: single nucleotide variant.
Coding change: c.984+1G>A on transcript NM_000359.3 (MANE Select); the canonical splice donor site of the intron after coding-DNA position 984, G replaced by A.
Molecular consequence: splice donor variant.
Genome position (GRCh38, 1-based): chr14:24,259,703, C>T on the plus strand (G>A on the coding strand, the complement: TGM1 is on the minus strand). VCF-style: chr14-24259703-C-T. GRCh37 (hg19) VCF-style: chr14-24728909-C-T.
Other names: c.984+1G>A (NM_000359.2).
Identifiers: ClinVar variation 1333234 (VCV001333234.10), dbSNP rs749160734, ClinGen allele CA7131223.
Genomic context (GRCh38, chr14:24,259,703, plus strand): 5'-GGGGGTGTGGCGAGGCAGCAGGCACACACACAGTAGGACTCAGAGATGTGAGGGTGCTCA[C>T]CATGGCAGAGATGACCCGGGAGACATTGACTGGGTCTCCACGGCCTCCATATGGCATCCC-3'